The following is an entry in ClinVar:

ClinVar aggregate classification (germline): Uncertain significance (1 of 4 stars; one submission).

Conditions:
Hereditary cancer-predisposing syndrome. Also called: Neoplastic Syndromes, Hereditary; Tumor predisposition; Hereditary neoplastic syndrome; Hereditary Cancer Syndrome. Identifiers: Orphanet 140162, MedGen C0027672, MeSH D009386, MONDO:0015356.

Submission:

Ambry Genetics
Classification: Uncertain significance for Hereditary cancer-predisposing syndrome. Last evaluated: 2026-07-06. Review status: criteria provided, single submitter. Criteria: Ambry Variant Classification Scheme 2023. Collection method: clinical testing. Allele origin: germline.
Comment: The p.A824S variant (also known as c.2470G>T), located in coding exon 16 of the CDH1 gene, results from a G to T substitution at nucleotide position 2470. The alanine at codon 824 is replaced by serine, an amino acid with similar properties. This amino acid position is conserved. In addition, the in silico prediction for this alteration is inconclusive. Based on the available evidence, the clinical significance of this variant remains unclear.

NM_004360.5(CDH1):c.2470G>T (p.Ala824Ser)

Gene: CDH1 (cadherin 1; plus strand). Cytogenetic location: 16q22.1.
Variant type: single nucleotide variant.
Coding change: c.2470G>T on transcript NM_004360.5 (MANE Select); coding-DNA position 2470, G replaced by T.
Protein change: p.Ala824Ser; replaces alanine 824 with serine.
Molecular consequence: missense variant.
Genome position (GRCh38, 1-based): chr16:68,833,320, G>T. VCF-style: chr16-68833320-G-T. GRCh37 (hg19) VCF-style: chr16-68867223-G-T.
Other names: c.2287G>T, p.Ala763Ser (NM_001317184.2); c.922G>T, p.Ala308Ser (NM_001317185.2); c.505G>T, p.Ala169Ser (NM_001317186.2); short protein forms A308S, A824S, A169S, A763S.
Identifiers: ClinVar variation 5033910 (VCV005033910.1).